The following is an entry in ClinVar:

ClinVar aggregate classification (germline): Likely benign. Review status: criteria provided, single submitter (1 of 4 stars). 2 submissions from 2 submitters: Likely benign (1). 1 of the submissions does not count toward it. Last evaluated 2024-11-15.

Conditions:
CELSR1-related disorder. Also called: CELSR1-related condition.

Allele frequency attached by ClinVar (database versions not stated): ExAC 0.00146; 1000 Genomes Project 0.00319; 1000 Genomes Project 30x 0.00390; gnomAD 0.00472; TOPMed 0.00527; ESP Exome Variant Server 0.00561.
gnomAD v4.1: 1,347 of 1,613,704 alleles (0.083%); highest among the groups gnomAD compares: African/African-American, 1.6%; 13 homozygotes.

Submissions (2):

Blueprint Genetics
Classification: Likely benign. Last evaluated: 2024-11-15. Review status: criteria provided, single submitter. Criteria: ACMG Guidelines, 2015. Collection method: clinical testing. Allele origin: germline.

PreventionGenetics, part of Exact Sciences
Classification: Likely benign for CELSR1-related condition. Last evaluated: 2023-12-05. Review status: no assertion criteria provided. Collection method: clinical testing. Allele origin: germline. Not counted in ClinVar's aggregate classification.
Comment: This variant is classified as likely benign based on ACMG/AMP sequence variant interpretation guidelines (Richards et al. 2015 PMID: 25741868, with internal and published modifications).

NM_001378328.1(CELSR1):c.2930C>T (p.Thr977Ile)

Gene: CELSR1 (cadherin EGF LAG seven-pass G-type receptor 1; minus strand). Cytogenetic location: 22q13.31.
Variant type: single nucleotide variant.
Coding change: c.2930C>T on transcript NM_001378328.1 (MANE Select); coding-DNA position 2930, C replaced by T.
Protein change: p.Thr977Ile; replaces threonine 977 with isoleucine.
Molecular consequence: missense variant.
Genome position (GRCh38, 1-based): chr22:46,534,241, G>A on the plus strand (C>T on the coding strand, the complement: CELSR1 is on the minus strand). VCF-style: chr22-46534241-G-A. GRCh37 (hg19) VCF-style: chr22-46930138-G-A.
Other names: c.2930C>T, p.Thr977Ile (NM_014246.4); short protein forms T977I.
Identifiers: ClinVar variation 3033370 (VCV003033370.3), dbSNP rs61737813, ClinGen allele CA10295137.